The following is an entry in ClinVar:

NM_004006.3(DMD):c.10291G>A (p.Asp3431Asn)

Gene: DMD (dystrophin; minus strand). Cytogenetic location: Xp21.2.
Variant type: single nucleotide variant.
Coding change: c.10291G>A on transcript NM_004006.3 (MANE Select); coding-DNA position 10291, G replaced by A.
Protein change: p.Asp3431Asn; replaces aspartic acid 3431 with asparagine.
Molecular consequence: missense variant. On other transcripts: intron variant (2).
Genome position (GRCh38, 1-based): chrX:31,173,576, C>T on the plus strand (G>A on the coding strand, the complement: DMD is on the minus strand). VCF-style: chrX-31173576-C-T. GRCh37 (hg19) VCF-style: chrX-31191693-C-T.
Other names: c.10291G>A (NM_004006.2); c.10267G>A, p.Asp3423Asn (NM_000109.4); c.10279G>A, p.Asp3427Asn (NM_004009.3); c.9922G>A, p.Asp3308Asn (NM_004010.3); c.6268G>A, p.Asp2090Asn (NM_004011.4); c.6259G>A, p.Asp2087Asn (NM_004012.4); c.2911G>A, p.Asp971Asn (NM_004013.3, NM_004021.3); c.2104G>A, p.Asp702Asn (NM_004014.3); and 4 more; short protein forms D3431N, D2090N, D3308N, D363N, D702N, D2087N, D3427N, D958N.
Identifiers: ClinVar variation 283335 (VCV000283335.14), dbSNP rs776084073, ClinGen allele CA10377634.

ClinVar aggregate classification (germline): Conflicting classifications of pathogenicity. Review status: criteria provided, conflicting classifications (1 of 4 stars). 4 submissions from 4 submitters: Uncertain significance (3); Likely benign (1). Last evaluated 2024-03-11.

Conditions:
Cardiovascular phenotype. Identifiers: MedGen CN230736.
Duchenne muscular dystrophy (DMD). Also called: MUSCULAR DYSTROPHY, PSEUDOHYPERTROPHIC PROGRESSIVE, DUCHENNE TYPE; Duchenne Muscular Dystrophy (DMD). Identifiers: Orphanet 98896, MedGen C0013264, MONDO:0010679, OMIM 310200.

gnomAD v4.1: 16 of 1,210,062 alleles (0.0013%); highest among the groups gnomAD compares: Admixed American, 0.0022%; no homozygotes.

Submissions (4):

Blueprint Genetics
Classification: Uncertain significance. Last evaluated: 2024-03-11. Review status: criteria provided, single submitter. Criteria: ACMG Guidelines, 2015. Collection method: clinical testing. Allele origin: germline.

Ambry Genetics
Classification: Uncertain significance for Cardiovascular phenotype. Last evaluated: 2024-01-29. Review status: criteria provided, single submitter. Criteria: Ambry Variant Classification Scheme 2023. Collection method: clinical testing. Allele origin: germline.
Comment: The p.D3431N variant (also known as c.10291G>A), located in coding exon 72 of the DMD gene, results from a G to A substitution at nucleotide position 10291. The aspartic acid at codon 3431 is replaced by asparagine, an amino acid with highly similar properties. Based on data from gnomAD, the A allele has an overall frequency of 0.0011% (2/182309) total alleles studied, with 1 hemizygote(s) observed. The highest observed frequency was 0.0037% (1/27259) of Admixed American alleles. This amino acid position is highly conserved in available vertebrate species. In addition, this alteration is predicted to be tolerated by in silico analysis. Based on the available evidence, the clinical significance of this alteration remains unclear.

Labcorp Genetics (formerly Invitae), Labcorp
Classification: Likely benign for Duchenne muscular dystrophy. Last evaluated: 2023-10-12. Review status: criteria provided, single submitter. Criteria: Invitae Variant Classification Sherloc (09022015). Collection method: clinical testing. Allele origin: germline.

Eurofins Ntd Llc (ga)
Classification: Uncertain significance. Last evaluated: 2015-09-15. Review status: criteria provided, single submitter. Criteria: EGL Classification Definitions 2015. Collection method: clinical testing. Allele origin: germline. Observed: 1 variant allele, 1 hemizygote.